The following is an entry in ClinVar:

NM_019892.6(INPP5E):c.1453G>A (p.Gly485Arg)

Gene: INPP5E (inositol polyphosphate-5-phosphatase E; minus strand). Cytogenetic location: 9q34.3.
Variant type: single nucleotide variant.
Coding change: c.1453G>A on transcript NM_019892.6 (MANE Select); coding-DNA position 1453, G replaced by A.
Protein change: p.Gly485Arg; replaces glycine 485 with arginine.
Molecular consequence: missense variant.
Genome position (GRCh38, 1-based): chr9:136,431,920, C>T on the plus strand (G>A on the coding strand, the complement: INPP5E is on the minus strand). VCF-style: chr9-136431920-C-T. GRCh37 (hg19) VCF-style: chr9-139326372-C-T.
Other names: c.1450G>A, p.Gly484Arg (NM_001318502.2); c.1453G>A (NM_019892.5); short protein forms G485R, G484R.
Identifiers: ClinVar variation 914435 (VCV000914435.14), dbSNP rs768384414, ClinGen allele CA5336790.

ClinVar aggregate classification (germline): Uncertain significance. Review status: criteria provided, multiple submitters, no conflicts (2 of 4 stars). 4 submissions from 4 submitters: Uncertain significance (3). 1 of the submissions does not count toward it. Last evaluated 2024-10-29.

Conditions:
Joubert syndrome. Also called: Familial aplasia of the vermis; JOUBERT-BOLTSHAUSER SYNDROME. Identifiers: Orphanet 475, MedGen C5979921, MONDO:0018772.
INPP5E-related disorder. Also called: INPP5E-related condition.
Joubert syndrome 1 (JBTS1). Also called: CEREBELLOPARENCHYMAL DISORDER IV; Cerebellooculorenal syndrome 1. Identifiers: MedGen C4551568, MONDO:0008944, OMIM 213300.

Allele frequency attached by ClinVar (database versions not stated): ExAC 0.00001; gnomAD 0.00001; TOPMed 0.00001; gnomAD exomes 0.00002.
gnomAD v4.1: 20 of 1,611,754 alleles (0.0012%); highest among the groups gnomAD compares: Middle Eastern, 0.033%; no homozygotes.

Submissions (4):

Labcorp Genetics (formerly Invitae), Labcorp
Classification: Uncertain significance for Joubert syndrome. Last evaluated: 2024-10-29. Review status: criteria provided, single submitter. Criteria: Invitae Variant Classification Sherloc (09022015). Collection method: clinical testing. Allele origin: germline.
Comment: This sequence change replaces glycine, which is neutral and non-polar, with arginine, which is basic and polar, at codon 485 of the INPP5E protein (p.Gly485Arg). This variant is present in population databases (rs768384414, gnomAD 0.006%). This variant has not been reported in the literature in individuals affected with INPP5E-related conditions. ClinVar contains an entry for this variant (Variation ID: 914435). Invitae Evidence Modeling of protein sequence and biophysical properties (such as structural, functional, and spatial information, amino acid conservation, physicochemical variation, residue mobility, and thermodynamic stability) indicates that this missense variant is expected to disrupt INPP5E protein function with a positive predictive value of 80%. In summary, the available evidence is currently insufficient to determine the role of this variant in disease. Therefore, it has been classified as a Variant of Uncertain Significance.

Blueprint Genetics
Classification: Uncertain significance. Last evaluated: 2023-04-21. Review status: criteria provided, single submitter. Criteria: ACMG Guidelines, 2015. Collection method: clinical testing. Allele origin: germline.

Illumina Laboratory Services, Illumina
Classification: Uncertain significance for Joubert syndrome 1. Last evaluated: 2018-01-12. Review status: criteria provided, single submitter. Criteria: ICSL Variant Classification Criteria 13 December 2019. Collection method: clinical testing. Allele origin: germline.

PreventionGenetics, part of Exact Sciences
Classification: Uncertain significance for INPP5E-related condition. Last evaluated: 2024-08-08. Review status: no assertion criteria provided. Collection method: clinical testing. Allele origin: germline. Not counted in ClinVar's aggregate classification.
Comment: The INPP5E c.1453G>A variant is predicted to result in the amino acid substitution p.Gly485Arg. To our knowledge, this variant has not been reported in the literature. This variant is reported in 0.0058% of alleles in individuals of Latino descent in gnomAD. At this time, the clinical significance of this variant is uncertain due to the absence of conclusive functional and genetic evidence.